The following is an entry in ClinVar:

NM_001211.6(BUB1B):c.2667T>G (p.Ile889Met)

Gene: BUB1B (BUB1 mitotic checkpoint serine/threonine kinase B; plus strand). Cytogenetic location: 15q15.1.
Variant type: single nucleotide variant.
Coding change: c.2667T>G on transcript NM_001211.6 (MANE Select); coding-DNA position 2667, T replaced by G.
Protein change: p.Ile889Met; replaces isoleucine 889 with methionine.
Molecular consequence: missense variant.
Genome position (GRCh38, 1-based): chr15:40,213,463, T>G. VCF-style: chr15-40213463-T-G. GRCh37 (hg19) VCF-style: chr15-40505664-T-G.
Other names: short protein forms I889M.
Identifiers: ClinVar variation 3826070 (VCV003826070.1).

ClinVar aggregate classification (germline): Uncertain significance (1 of 4 stars; one submission).

Conditions:
Inborn genetic diseases. Identifiers: MedGen C0950123, MeSH D030342.

Submission:

Ambry Genetics
Classification: Uncertain significance for Inborn genetic diseases. Last evaluated: 2025-01-20. Review status: criteria provided, single submitter. Criteria: Ambry Variant Classification Scheme 2023. Collection method: clinical testing. Allele origin: germline.
Comment: The p.I889M variant (also known as c.2667T>G), located in coding exon 20 of the BUB1B gene, results from a T to G substitution at nucleotide position 2667. The isoleucine at codon 889 is replaced by methionine, an amino acid with highly similar properties. This amino acid position is conserved. In addition, this alteration is predicted to be tolerated by in silico analysis. Based on the available evidence, the clinical significance of this variant remains unclear.